The following is an entry in ClinVar:

ClinVar aggregate classification (germline): Pathogenic (1 of 4 stars; one submission).

Submission:

Labcorp Genetics (formerly Invitae), Labcorp
Classification: Pathogenic. Last evaluated: 2024-04-17. Review status: criteria provided, single submitter. Criteria: Invitae Variant Classification Sherloc (09022015). Collection method: clinical testing. Allele origin: germline.
Comment: This sequence change creates a premature translational stop signal (p.Pro1118Leufs*26) in the PRPF8 gene. It is expected to result in an absent or disrupted protein product. Loss-of-function variants in PRPF8 are known to be pathogenic (PMID: 27208204, 31054281, 33946315). This variant is not present in population databases (gnomAD no frequency). This variant has not been reported in the literature in individuals affected with PRPF8-related conditions. ClinVar contains an entry for this variant (Variation ID: 1386059). For these reasons, this variant has been classified as Pathogenic.

Literature cited by the submitters: PubMed 27208204; PubMed 31054281; PubMed 33946315.

NM_006445.4(PRPF8):c.3353del (p.Pro1118fs)

Gene: PRPF8 (pre-mRNA processing factor 8; minus strand). Cytogenetic location: 17p13.3.
Variant type: Deletion.
Coding change: c.3353del on transcript NM_006445.4 (MANE Select); coding-DNA position 3353, one base deleted (C; older notation c.3353delC).
Protein change: p.Pro1118fs; shifts the reading frame from proline 1118.
Molecular consequence: frameshift variant.
Genome position (GRCh38, 1-based): chr17:1,673,839, G deleted on the plus strand (C on the coding strand, the reverse complement: PRPF8 is on the minus strand); the first of 3 consecutive G bases (chr17:1,673,839-1,673,841); deleting any one gives the same sequence. VCF-style (leftmost placement, unchanged base first): chr17-1673838-AG-A. GRCh37 (hg19) VCF-style: chr17-1577132-AG-A.
Other names: short protein forms P1118fs.
Identifiers: ClinVar variation 1386059 (VCV001386059.6), dbSNP rs1912459271, ClinGen allele CA980675685.
Genomic context (GRCh38, chr17:1,673,838, plus strand): 5'-GGCATCTCGGGGCCAGCACTTCTTGTTATTATAGCCAACGATGTTTTCATTATTGGGGTC[AG>A]GGTGCTCTGTCAGGTAACGTTGAATCAGGTCCCGAGCCTCATCTGCTGTGAACCTACACC-3'